The following is an entry in ClinVar:

NM_016580.4(PCDH12):c.3308C>T (p.Thr1103Met)

Gene: PCDH12 (protocadherin 12; minus strand). Cytogenetic location: 5q31.3.
Variant type: single nucleotide variant.
Coding change: c.3308C>T on transcript NM_016580.4 (MANE Select); coding-DNA position 3308, C replaced by T.
Protein change: p.Thr1103Met; replaces threonine 1103 with methionine.
Molecular consequence: missense variant.
Genome position (GRCh38, 1-based): chr5:141,945,628, G>A on the plus strand (C>T on the coding strand, the complement: PCDH12 is on the minus strand). VCF-style: chr5-141945628-G-A. GRCh37 (hg19) VCF-style: chr5-141325193-G-A.
Other names: short protein forms T1103M.
Identifiers: ClinVar variation 1425071 (VCV001425071.5), dbSNP rs768111243, ClinGen allele CA361564090.
Genomic context (GRCh38, chr5:141,945,628, plus strand): 5'-TGTTCCAGCAGCATCTCCAGCAGTGAGCTCATCTCCGAGACAAAGGTGCTGGCCAGCCTC[G>A]TGCCTGTTGGGCTCAGCTCTGGTGCCTCTGCCTTGCCGAACGTCTGGAAGGTCCTTGGCT-3'
Protein context (NP_057664.1, residues 1093-1113): AEAPELSPTG[Thr1103Met]RLASTFVSEM

ClinVar aggregate classification (germline): Uncertain significance (1 of 4 stars; one submission).

Allele frequency attached by ClinVar (database versions not stated): TOPMed below 0.00001; gnomAD 0.00001.
gnomAD v4.1: 36 of 1,614,060 alleles (0.0022%); highest among the groups gnomAD compares: Non-Finnish European, 0.002%; no homozygotes.

Submission:

Labcorp Genetics (formerly Invitae), Labcorp
Classification: Uncertain significance. Last evaluated: 2021-12-02. Review status: criteria provided, single submitter. Criteria: Invitae Variant Classification Sherloc (09022015). Collection method: clinical testing. Allele origin: germline.
Comment: This sequence change replaces threonine, which is neutral and polar, with methionine, which is neutral and non-polar, at codon 1103 of the PCDH12 protein (p.Thr1103Met). This variant is present in population databases (no rsID available, gnomAD 0.003%). This variant has not been reported in the literature in individuals affected with PCDH12-related conditions. Advanced modeling of protein sequence and biophysical properties (such as structural, functional, and spatial information, amino acid conservation, physicochemical variation, residue mobility, and thermodynamic stability) performed at Invitae indicates that this missense variant is not expected to disrupt PCDH12 protein function. In summary, the available evidence is currently insufficient to determine the role of this variant in disease. Therefore, it has been classified as a Variant of Uncertain Significance.